The following is an entry in ClinVar:

ClinVar aggregate classification (germline): Uncertain significance. Review status: criteria provided, multiple submitters, no conflicts (2 of 4 stars). 2 submissions from 2 submitters: Uncertain significance (2). Last evaluated 2025-11-28.

gnomAD v4.1: 2 of 1,612,370 alleles (0.00012%); highest among the groups gnomAD compares: Middle Eastern, 0.017%; no homozygotes.

Submissions (2):

Labcorp Genetics (formerly Invitae), Labcorp
Classification: Uncertain significance. Last evaluated: 2025-11-28. Review status: criteria provided, single submitter. Criteria: Invitae Variant Classification Sherloc (09022015). Collection method: clinical testing. Allele origin: germline.
Comment: This sequence change replaces serine, which is neutral and polar, with asparagine, which is neutral and polar, at codon 85 of the PITPNM3 protein (p.Ser85Asn). This variant is not present in population databases (gnomAD no frequency). This variant has not been reported in the literature in individuals affected with PITPNM3-related conditions. An algorithm developed to predict the effect of missense changes on protein structure and function (PolyPhen-2) suggests that this variant is likely to be tolerated. In summary, the available evidence is currently insufficient to determine the role of this variant in disease. Therefore, it has been classified as a Variant of Uncertain Significance.

Blueprint Genetics
Classification: Uncertain significance. Last evaluated: 2024-02-20. Review status: criteria provided, single submitter. Criteria: ACMG Guidelines, 2015. Collection method: clinical testing. Allele origin: germline.

NM_031220.4(PITPNM3):c.254G>A (p.Ser85Asn)

Gene: PITPNM3 (PITPNM family member 3; minus strand). Cytogenetic location: 17p13.1.
Variant type: single nucleotide variant.
Coding change: c.254G>A on transcript NM_031220.4 (MANE Select); coding-DNA position 254, G replaced by A.
Protein change: p.Ser85Asn; replaces serine 85 with asparagine.
Molecular consequence: missense variant.
Genome position (GRCh38, 1-based): chr17:6,503,547, C>T on the plus strand (G>A on the coding strand, the complement: PITPNM3 is on the minus strand). VCF-style: chr17-6503547-C-T. GRCh37 (hg19) VCF-style: chr17-6406867-C-T.
Other names: c.146G>A, p.Ser49Asn (NM_001165966.2); short protein forms S49N, S85N.
Identifiers: ClinVar variation 4748108 (VCV004748108.2).